The following is an entry in ClinVar:

NM_194248.3(OTOF):c.3127-5G>A

Gene: OTOF (otoferlin; minus strand). Cytogenetic location: 2p23.3.
Variant type: single nucleotide variant.
Coding change: c.3127-5G>A on transcript NM_194248.3 (MANE Select); 5 bases into the intron before coding-DNA position 3127, G replaced by A.
Molecular consequence: intron variant.
Genome position (GRCh38, 1-based): chr2:26,474,679, C>T on the plus strand (G>A on the coding strand, the complement: OTOF is on the minus strand). VCF-style: chr2-26474679-C-T. GRCh37 (hg19) VCF-style: chr2-26697547-C-T.
Other names: c.3127-5G>A (NM_001287489.2); c.886-5G>A (NM_194323.3, NM_004802.4); c.1057-5G>A (NM_194322.3).
Identifiers: ClinVar variation 896462 (VCV000896462.12), dbSNP rs375186827, ClinGen allele CA1563643.

ClinVar aggregate classification (germline): Conflicting classifications of pathogenicity. Review status: criteria provided, conflicting classifications (1 of 4 stars). 5 submissions from 5 submitters: Uncertain significance (1); Benign (1); Likely benign (3). Last evaluated 2026-01-18.

Conditions:
OTOF-related disorder. Also called: OTOF-related condition.
Autosomal recessive nonsyndromic hearing loss 9. Also called: Deafness, autosomal recessive 9; OTOF-Related Hearing Loss; AUDITORY NEUROPATHY, AUTOSOMAL RECESSIVE, 1, TEMPERATURE-SENSITIVE; NEUROSENSORY NONSYNDROMIC RECESSIVE DEAFNESS 9. Identifiers: Orphanet 90636, MedGen C1832828, MONDO:0010986, OMIM 601071.

Allele frequency attached by ClinVar (database versions not stated): gnomAD 0.00006 and 0.00022; TOPMed 0.00007; ESP Exome Variant Server 0.00008; ExAC 0.00051; 1000 Genomes Project 30x 0.00203; 1000 Genomes Project 0.00260.
gnomAD v4.1: 362 of 1,613,204 alleles (0.022%); highest among the groups gnomAD compares: South Asian, 0.25%; 2 homozygotes.

Submissions (5):

Labcorp Genetics (formerly Invitae), Labcorp
Classification: Benign. Last evaluated: 2026-01-18. Review status: criteria provided, single submitter. Criteria: Invitae Variant Classification Sherloc (09022015). Collection method: clinical testing. Allele origin: germline.

PreventionGenetics, part of Exact Sciences
Classification: Likely benign for OTOF-related condition. Last evaluated: 2025-03-17. Review status: criteria provided, single submitter. Criteria: ACMG Guidelines, 2015. Collection method: clinical testing. Allele origin: germline.
Comment: This variant is classified as likely benign based on ACMG/AMP sequence variant interpretation guidelines (Richards et al. 2015 PMID: 25741868, with internal and published modifications).

Blueprint Genetics
Classification: Likely benign. Last evaluated: 2024-09-10. Review status: criteria provided, single submitter. Criteria: ACMG Guidelines, 2015. Collection method: clinical testing. Allele origin: germline.

GeneDx
Classification: Likely benign. Last evaluated: 2019-01-25. Review status: criteria provided, single submitter. Criteria: GeneDx Variant Classification Process June 2021. Collection method: clinical testing. Allele origin: germline. Affected: yes.

Illumina Laboratory Services, Illumina
Classification: Uncertain significance for Autosomal recessive nonsyndromic hearing loss 9. Last evaluated: 2018-01-13. Review status: criteria provided, single submitter. Criteria: ICSL Variant Classification Criteria 13 December 2019. Collection method: clinical testing. Allele origin: germline.